The following is an entry in ClinVar:

ClinVar aggregate classification (germline): Likely benign. Review status: criteria provided, multiple submitters, no conflicts (2 of 4 stars). 5 submissions from 5 submitters: Likely benign (4). 1 of the submissions does not count toward it. Last evaluated 2026-07-08.

Conditions:
SMARCA4-related disorder. Also called: SMARCA4-related condition.
Rhabdoid tumor predisposition syndrome 2 (RTPS2). Identifiers: Orphanet 231108, Orphanet 69077, MedGen C2750074, MONDO:0013224, OMIM 613325.

Allele frequency attached by ClinVar (database versions not stated): ESP Exome Variant Server 0.00009; gnomAD 0.00001; TOPMed 0.00004; gnomAD exomes 0.00004.
gnomAD v4.1: 30 of 1,550,446 alleles (0.0019%); highest among the groups gnomAD compares: Middle Eastern, 0.036%; no homozygotes.

Submissions (5):

Myriad Genetics, Inc.
Classification: Likely benign for Rhabdoid tumor predisposition syndrome 2. Last evaluated: 2026-07-08. Review status: criteria provided, single submitter. Criteria: Myriad Autosomal Dominant, Autosomal Recessive and X-Linked Classification Criteria (2023). Collection method: clinical testing. Allele origin: unknown.
Comment: This variant is considered likely benign. This variant is intronic and is not expected to impact mRNA splicing.

Labcorp Genetics (formerly Invitae), Labcorp
Classification: Likely benign for Rhabdoid tumor predisposition syndrome 2. Last evaluated: 2026-02-03. Review status: criteria provided, single submitter. Criteria: Invitae Variant Classification Sherloc (09022015). Collection method: clinical testing. Allele origin: germline.

Quest Diagnostics Nichols Institute San Juan Capistrano
Classification: Likely benign. Last evaluated: 2023-06-29. Review status: criteria provided, single submitter. Criteria: Quest Diagnostics criteria. Collection method: clinical testing. Allele origin: unknown.

Blueprint Genetics
Classification: Likely benign. Last evaluated: 2019-12-18. Review status: criteria provided, single submitter. Criteria: ACMG Guidelines, 2015. Collection method: clinical testing. Allele origin: germline.

PreventionGenetics, part of Exact Sciences
Classification: Likely benign for SMARCA4-related condition. Last evaluated: 2019-07-04. Review status: no assertion criteria provided. Collection method: clinical testing. Allele origin: germline. Not counted in ClinVar's aggregate classification.
Comment: This variant is classified as likely benign based on ACMG/AMP sequence variant interpretation guidelines (Richards et al. 2015 PMID: 25741868, with internal and published modifications).

NM_003072.5(SMARCA4):c.4911+9G>A

Gene: SMARCA4 (SWI/SNF related BAF chromatin remodeling complex subunit ATPase 4; plus strand). Cytogenetic location: 19p13.2.
Variant type: single nucleotide variant.
Coding change: c.4911+9G>A on transcript NM_003072.5 (MANE Select); 9 bases into the intron after coding-DNA position 4911, G replaced by A.
Molecular consequence: intron variant.
Genome position (GRCh38, 1-based): chr19:11,060,196, G>A. VCF-style: chr19-11060196-G-A. GRCh37 (hg19) VCF-style: chr19-11170872-G-A.
Other names: c.4911+9G>A (NM_001128844.3); c.5007+9G>A (NM_001128849.3, NM_001387283.1); c.4812+9G>A (NM_001128847.4, NM_001374457.1); c.4821+9G>A (NM_001128845.2); c.4818+9G>A (NM_001128846.2); c.4809+9G>A (NM_001128848.2).
Identifiers: ClinVar variation 238502 (VCV000238502.16), dbSNP rs374677046, ClinGen allele CA10583769.